The following is an entry in ClinVar:

NM_025132.4(WDR19):c.2777G>T (p.Ser926Ile)

Gene: WDR19 (WD repeat domain 19; plus strand). Cytogenetic location: 4p14.
Variant type: single nucleotide variant.
Coding change: c.2777G>T on transcript NM_025132.4 (MANE Select); coding-DNA position 2777, G replaced by T.
Protein change: p.Ser926Ile; replaces serine 926 with isoleucine.
Molecular consequence: missense variant.
Genome position (GRCh38, 1-based): chr4:39,253,193, G>T. VCF-style: chr4-39253193-G-T. GRCh37 (hg19) VCF-style: chr4-39254813-G-T.
Other names: c.2297G>T, p.Ser766Ile (NM_001317924.2); short protein forms S926I, S766I.
Identifiers: ClinVar variation 191190 (VCV000191190.8), dbSNP rs751386429, ClinGen allele CA236213.

ClinVar aggregate classification (germline): Conflicting classifications of pathogenicity. Review status: criteria provided, conflicting classifications (1 of 4 stars). 6 submissions from 5 submitters: Pathogenic (1); Likely pathogenic (1); Uncertain significance (3). 1 of the submissions does not count toward it. Last evaluated 2024-03-25.

Conditions:
Spermatogenic failure 72 (SPGF72). Identifiers: MedGen C5676980, MONDO:0030809, OMIM 619867.
Senior-Loken syndrome 8 (SLSN8). Identifiers: Orphanet 3156, MedGen C4225376, MONDO:0014579, OMIM 616307.
Asphyxiating thoracic dystrophy 5 (SRTD5). Also called: SHORT-RIB THORACIC DYSPLASIA 5 WITHOUT POLYDACTYLY; SHORT-RIB THORACIC DYSPLASIA 5 WITH OR WITHOUT POLYDACTYLY. Identifiers: Orphanet 474, MedGen C3280598, MONDO:0013717, OMIM 614376.
Nephronophthisis 13 (NPHP13). Identifiers: Orphanet 655, MedGen C3280612, MONDO:0013718, OMIM 614377.
Cranioectodermal dysplasia 4 (CED4). Identifiers: Orphanet 1515, MedGen C3280616, MONDO:0013719, OMIM 614378.
Retinal dystrophy. Also called: Inherited retinal dystrophy. Identifiers: Orphanet 71862, MedGen C0854723, MeSH D058499, MONDO:0019118, HP:0000556.

gnomAD v4.1: 1 of 1,613,028 alleles (0.000062%); highest among the groups gnomAD compares: Middle Eastern, 0.017%; no homozygotes.

Submissions (6):

Genomic Medicine Center of Excellence, King Faisal Specialist Hospital and Research Centre
Classification: Uncertain significance for Nephronophthisis 13. Last evaluated: 2024-03-25. Review status: criteria provided, single submitter. Criteria: ACMG Guidelines, 2015. Collection method: clinical testing. Allele origin: germline.

Fulgent Genetics
Classification: Uncertain significance for Asphyxiating thoracic dystrophy 5; Nephronophthisis 13; Cranioectodermal dysplasia 4; Senior-Loken syndrome 8; Spermatogenic failure 72. Last evaluated: 2024-01-08. Review status: criteria provided, single submitter. Criteria: ACMG Guidelines, 2015. Collection method: clinical testing. Allele origin: germline.

Labcorp Genetics (formerly Invitae), Labcorp
Classification: Uncertain significance for Senior-Loken syndrome 8; Asphyxiating thoracic dystrophy 5. Last evaluated: 2022-11-01. Review status: criteria provided, single submitter. Criteria: Invitae Variant Classification Sherloc (09022015). Collection method: clinical testing. Allele origin: germline.
Comment: This sequence change replaces serine, which is neutral and polar, with isoleucine, which is neutral and non-polar, at codon 926 of the WDR19 protein (p.Ser926Ile). This variant is not present in population databases (gnomAD no frequency). This missense change has been observed in individual(s) with retinitis pigmentosa and cone-rod dystrophy (PMID: 26355662). ClinVar contains an entry for this variant (Variation ID: 191190). Advanced modeling of protein sequence and biophysical properties (such as structural, functional, and spatial information, amino acid conservation, physicochemical variation, residue mobility, and thermodynamic stability) performed at Invitae indicates that this missense variant is not expected to disrupt WDR19 protein function. In summary, the available evidence is currently insufficient to determine the role of this variant in disease. Therefore, it has been classified as a Variant of Uncertain Significance.

Institute of Human Genetics, Univ. Regensburg, Univ. Regensburg
Classification: Likely pathogenic for Retinal dystrophy. Last evaluated: 2022-01-01. Review status: criteria provided, single submitter. Criteria: ACMG Guidelines, 2015. Collection method: clinical testing. Allele origin: germline. Affected: yes.

Genetics and Genomic Medicine Centre, NeuroGen Healthcare, NeuroGen Healthcare
Classification: Pathogenic for Nephronophthisis 13. Last evaluated: 2021-03-01. Review status: criteria provided, single submitter. Criteria: Submitter's publication. Collection method: clinical testing. Allele origin: unknown. Affected: no.

Genomic Medicine Center of Excellence, King Faisal Specialist Hospital and Research Centre
Classification: Likely pathogenic. Review status: flagged submission. Criteria: ACMG Guidelines, 2015. Collection method: research. Allele origin: germline. Affected: yes. Not counted in ClinVar's aggregate classification.
ClinVar note: Reason: This record appears to be redundant with a more recent record from the same submitter.
ClinVar note: Notes: SCV000221573 appears to be redundant with SCV004806004.

Literature cited by the submitters: PubMed 26355662 (cited by Labcorp Genetics (formerly Invitae), Labcorp and Institute of Human Genetics, Univ. Regensburg, Univ. Regensburg); PubMed 29620724 (cited by Institute of Human Genetics, Univ. Regensburg, Univ. Regensburg); PubMed 32055034 (cited by Institute of Human Genetics, Univ. Regensburg, Univ. Regensburg).